The following is an entry in ClinVar:

ClinVar aggregate classification (germline): Pathogenic. Review status: criteria provided, multiple submitters, no conflicts (2 of 4 stars). 2 submissions from 2 submitters: Pathogenic (2). Last evaluated 2024-06-01.

Conditions:
Glycogen storage disease IV, classic hepatic. Also called: GSD IV, CLASSIC HEPATIC. Identifiers: MedGen C1856301.
Glycogen storage disease, type IV (GSD4). Also called: AMYLOPECTINOSIS; ANDERSEN DISEASE; BRANCHER DEFICIENCY; CIRRHOSIS, FAMILIAL, WITH DEPOSITION OF ABNORMAL GLYCOGEN; GBE1 DEFICIENCY; GLYCOGEN BRANCHING ENZYME DEFICIENCY. Identifiers: Orphanet 367, MedGen C0017923, MONDO:0009292, OMIM 232500.

Submissions (2):

Myriad Genetics, Inc.
Classification: Pathogenic for Glycogen storage disease, type IV. Last evaluated: 2024-06-01. Review status: criteria provided, single submitter. Criteria: Myriad Autosomal Dominant, Autosomal Recessive and X-Linked Classification Criteria (2023). Collection method: clinical testing. Allele origin: unknown.
Comment: NM_000158.3(GBE1):c.811G>T(E271*) is expected to be pathogenic in the context of glycogen storage disease, GBE1-related. This variant is predicted to lead to an abnormal or absent protein product due to the creation of a premature termination codon in GBE1, a gene where loss-of-function variants are known to be pathogenic. Please note: this variant was assessed in the context of healthy population screening.

Labcorp Genetics (formerly Invitae), Labcorp
Classification: Pathogenic for Glycogen storage disease, type IV; Glycogen storage disease IV, classic hepatic. Last evaluated: 2023-06-07. Review status: criteria provided, single submitter. Criteria: Invitae Variant Classification Sherloc (09022015). Collection method: clinical testing. Allele origin: germline.
Comment: For these reasons, this variant has been classified as Pathogenic. This variant has not been reported in the literature in individuals affected with GBE1-related conditions. This variant is not present in population databases (gnomAD no frequency). This sequence change creates a premature translational stop signal (p.Glu271*) in the GBE1 gene. It is expected to result in an absent or disrupted protein product. Loss-of-function variants in GBE1 are known to be pathogenic (PMID: 15452297, 20058079).

Literature cited by the submitters: PubMed 15452297 (cited by Labcorp Genetics (formerly Invitae), Labcorp); PubMed 20058079 (cited by Labcorp Genetics (formerly Invitae), Labcorp).

NM_000158.4(GBE1):c.811G>T (p.Glu271Ter)

Gene: GBE1 (1,4-alpha-glucan branching enzyme 1; minus strand). Cytogenetic location: 3p12.2.
Variant type: single nucleotide variant.
Coding change: c.811G>T on transcript NM_000158.4 (MANE Select); coding-DNA position 811, G replaced by T.
Protein change: p.Glu271Ter; replaces glutamic acid 271 with a stop codon.
Molecular consequence: nonsense.
Genome position (GRCh38, 1-based): chr3:81,642,962, C>A on the plus strand (G>T on the coding strand, the complement: GBE1 is on the minus strand). VCF-style: chr3-81642962-C-A. GRCh37 (hg19) VCF-style: chr3-81692113-C-A.
Other names: short protein forms E271*.
Identifiers: ClinVar variation 2948658 (VCV002948658.4), dbSNP rs2471817112, ClinGen allele CA353687530.